The following is an entry in ClinVar:

ClinVar aggregate classification (germline): Uncertain significance (1 of 4 stars; one submission).

Conditions:
Intellectual developmental disorder, X-linked 114. Identifiers: MedGen C5974891, MONDO:0975828, OMIM 301134.

Submission:

Dasa
Classification: Uncertain significance for Intellectual developmental disorder, X-linked 114. Last evaluated: 2026-04-28. Review status: criteria provided, single submitter. Criteria: DASA Assertion Criteria. Collection method: clinical testing. Allele origin: germline.
Comment: NM_014370.4(SRPK3):c.299A>C (p.Gln100Pro) is a missense variant that results in the substitution of glutamine with proline. This variant is rare in population databases. The currently available literature and clinical evidence are not sufficient to establish a definitive association between this variant and the reported condition. Therefore, this variant is classified as a variant of uncertain significance.

NM_014370.4(SRPK3):c.299A>C (p.Gln100Pro)

Gene: SRPK3 (SRSF protein kinase 3; plus strand). Cytogenetic location: Xq28.
Variant type: single nucleotide variant.
Coding change: c.299A>C on transcript NM_014370.4 (MANE Select); coding-DNA position 299, A replaced by C.
Protein change: p.Gln100Pro; replaces glutamine 100 with proline.
Molecular consequence: missense variant.
Genome position (GRCh38, 1-based): chrX:153,781,613, A>C. VCF-style: chrX-153781613-A-C. GRCh37 (hg19) VCF-style: chrX-153047068-A-C.
Other names: c.299A>C, p.Gln100Pro (NM_001170760.2, NM_001170761.2); short protein forms Q100P.
Identifiers: ClinVar variation 4882434 (VCV004882434.2).
Genomic context (GRCh38, chrX:153,781,613, plus strand): 5'-ACGTGGTGCGCAAACTGGGCTGGGGCCACTTCTCCACCGTCTGGCTCTGCTGGGACATCC[A>C]GTGAGTGCCTCCTTCGCCTCCGGGGCCCAGCACTGGCTGGGATCCTGTCCCTGGGCTTGC-3'
Protein context (NP_055185.2, residues 90-110): FSTVWLCWDI[Gln100Pro]RKRFVALKVV